The following is an entry in ClinVar:

ClinVar aggregate classification (germline): Uncertain significance (1 of 4 stars; one submission).

Allele frequency attached by ClinVar (database versions not stated): TOPMed 0.00001.

Submission:

Labcorp Genetics (formerly Invitae), Labcorp
Classification: Uncertain significance. Last evaluated: 2022-07-23. Review status: criteria provided, single submitter. Criteria: Invitae Variant Classification Sherloc (09022015). Collection method: clinical testing. Allele origin: germline.
Comment: In summary, the available evidence is currently insufficient to determine the role of this variant in disease. Therefore, it has been classified as a Variant of Uncertain Significance. Algorithms developed to predict the effect of missense changes on protein structure and function are either unavailable or do not agree on the potential impact of this missense change (SIFT: "Deleterious"; PolyPhen-2: "Benign"; Align-GVGD: "Class C15"). This variant has not been reported in the literature in individuals affected with CACNA1F-related conditions. This variant is not present in population databases (gnomAD no frequency). This sequence change replaces serine, which is neutral and polar, with arginine, which is basic and polar, at codon 1623 of the CACNA1F protein (p.Ser1623Arg).

NM_001256789.3(CACNA1F):c.4834A>C (p.Ser1612Arg)

Genes: CACNA1F (calcium voltage-gated channel subunit alpha1 F; minus strand), LOC126863257 (BRD4-independent group 4 enhancer GRCh37_chrX:49065732-49066931; plus strand). Cytogenetic location: Xp11.23.
Variant type: single nucleotide variant.
Coding change: c.4834A>C on transcript NM_001256789.3 (MANE Select); coding-DNA position 4834, A replaced by C.
Protein change: p.Ser1612Arg; replaces serine 1612 with arginine.
Molecular consequence: missense variant.
Genome position (GRCh38, 1-based): chrX:49,209,381, T>G on the plus strand (A>C on the coding strand, the complement: CACNA1F is on the minus strand). VCF-style: chrX-49209381-T-G. GRCh37 (hg19) VCF-style: chrX-49065841-T-G.
Other names: c.4672A>C, p.Ser1558Arg (NM_001256790.3); c.4867A>C, p.Ser1623Arg (NM_005183.4); short protein forms S1558R, S1623R, S1612R.
Identifiers: ClinVar variation 1929108 (VCV001929108.5), dbSNP rs1219886115, ClinGen allele CA412960112.